The following is an entry in ClinVar:

NM_000310.4(PPT1):c.235-1G>A

Gene: PPT1 (palmitoyl-protein thioesterase 1; minus strand). Cytogenetic location: 1p34.2.
Variant type: single nucleotide variant.
Coding change: c.235-1G>A on transcript NM_000310.4 (MANE Select); the canonical splice acceptor site of the intron before coding-DNA position 235, G replaced by A.
Molecular consequence: splice acceptor variant. On other transcripts: intron variant (1).
Genome position (GRCh38, 1-based): chr1:40,092,173, C>T on the plus strand (G>A on the coding strand, the complement: PPT1 is on the minus strand). VCF-style: chr1-40092173-C-T. GRCh37 (hg19) VCF-style: chr1-40557845-C-T.
Other names: c.125-2661G>A (NM_001142604.2); c.235-1G>A (NM_001363695.2).
Identifiers: ClinVar variation 2850703 (VCV002850703.3), dbSNP rs2124487981, ClinGen allele CA339849432.
Genomic context (GRCh38, chr1:40,092,173, plus strand): 5'-TGCCTGACACACTGTTGTTACTTGGGAATTGACATTCAAGAAGAAGCTGTTCTCCACGTC[C>T]TAAAAAAGAAGCCAGAGAGAAGTGAGAGGATGGGACTGAAAACAACCACTGACATCTTCT-3'

ClinVar aggregate classification (germline): Likely pathogenic (1 of 4 stars; one submission).

Conditions:
Neuronal ceroid lipofuscinosis 1 (CLN1). Also called: CEROID LIPOFUSCINOSIS, NEURONAL, 1, VARIABLE AGE AT ONSET; PPT1-Related Neuronal Ceroid-Lipofuscinosis. Identifiers: Orphanet 228329, MedGen C1850451, MONDO:0009744, OMIM 256730.

Submission:

Labcorp Genetics (formerly Invitae), Labcorp
Classification: Likely pathogenic for Neuronal ceroid lipofuscinosis 1. Last evaluated: 2023-03-29. Review status: criteria provided, single submitter. Criteria: Invitae Variant Classification Sherloc (09022015). Collection method: clinical testing. Allele origin: germline.
Comment: Algorithms developed to predict the effect of sequence changes on RNA splicing suggest that this variant may disrupt the consensus splice site. This variant has not been reported in the literature in individuals affected with PPT1-related conditions. This variant is not present in population databases (gnomAD no frequency). This sequence change affects an acceptor splice site in intron 2 of the PPT1 gene. It is expected to disrupt RNA splicing. Variants that disrupt the donor or acceptor splice site typically lead to a loss of protein function (PMID: 16199547), and loss-of-function variants in PPT1 are known to be pathogenic (PMID: 10679943, 21990111). In summary, the currently available evidence indicates that the variant is pathogenic, but additional data are needed to prove that conclusively. Therefore, this variant has been classified as Likely Pathogenic.

Literature cited by the submitters: PubMed 16199547; PubMed 10679943; PubMed 21990111.